The following is an entry in ClinVar:

ClinVar aggregate classification (germline): Pathogenic (1 of 4 stars; one submission).

Conditions:
Capillary malformation-arteriovenous malformation syndrome. Also called: Capillary malformation-arteriovenous malformation. Identifiers: Orphanet 137667, MedGen C1842180, MONDO:0012016.

Submission:

Seattle Children's Hospital Molecular Genetics Laboratory, Seattle Children's Hospital
Classification: Pathogenic for Capillary malformation-arteriovenous malformation syndrome. Last evaluated: 2022-01-31. Review status: criteria provided, single submitter. Criteria: ACMG Guidelines, 2015. Collection method: clinical testing. Allele origin: germline. Affected: yes.
Comment: The p.Gln41* variant has not been observed in large population studies (Genome Aggregation Database v2.1.1). To our knowledge, this variant has also not been reported in the medical literature or patient-specific databases. While this specific nonsense variant has not been previously reported as pathogenic, other loss-of-function variants affecting EPHB4 have been reported in CM-AVM2 (MIM #618196) (NBK52764, PMID: 28687708).

NM_004444.5(EPHB4):c.121C>T (p.Gln41Ter)

Gene: EPHB4 (EPH receptor B4; minus strand). Cytogenetic location: 7q22.1.
Variant type: single nucleotide variant.
Coding change: c.121C>T on transcript NM_004444.5 (MANE Select); coding-DNA position 121, C replaced by T.
Protein change: p.Gln41Ter; replaces glutamine 41 with a stop codon.
Molecular consequence: nonsense.
Genome position (GRCh38, 1-based): chr7:100,824,205, G>A on the plus strand (C>T on the coding strand, the complement: EPHB4 is on the minus strand). VCF-style: chr7-100824205-G-A. GRCh37 (hg19) VCF-style: chr7-100421827-G-A.
Other names: short protein forms Q41*.
Identifiers: ClinVar variation 1691322 (VCV001691322.2), dbSNP rs2116462820, ClinGen allele CA368584926.
Genomic context (GRCh38, chr7:100,824,205, plus strand): 5'-GCGCCCTCTCCTCCCTCAGTTTCCCTCCAGAGCTCCAGCTCCTGGGTGCAGCTCTCACCT[G>A]CCCGTCCACCTGAGGGAATGTCACCCACTTCAGATCAGCAGTTTCCAATTTTGTGTTCAG-3'